The following is an entry in ClinVar:

ClinVar aggregate classification (germline): Uncertain significance (1 of 4 stars; one submission).

Conditions:
Intellectual disability, autosomal recessive 53 (NEDHSCA). Also called: GLYCOSYLPHOSPHATIDYLINOSITOL BIOSYNTHESIS DEFECT 13; Mental retardation, autosomal recessive 53; NEURODEVELOPMENTAL DISORDER WITH OR WITHOUT HYPOTONIA, SEIZURES, AND CEREBELLAR ATROPHY. Identifiers: Orphanet 488635, MedGen C4310794, MONDO:0014832, OMIM 616917.

Allele frequency attached by ClinVar (database versions not stated): ExAC 0.00002; gnomAD exomes 0.00003.
gnomAD v4.1: 8 of 1,614,214 alleles (0.0005%); highest among the groups gnomAD compares: Admixed American, 0.01%; no homozygotes.

Submission:

Labcorp Genetics (formerly Invitae), Labcorp
Classification: Uncertain significance for Intellectual disability, autosomal recessive 53. Last evaluated: 2024-06-17. Review status: criteria provided, single submitter. Criteria: Invitae Variant Classification Sherloc (09022015). Collection method: clinical testing. Allele origin: germline.
Comment: This sequence change replaces proline, which is neutral and non-polar, with serine, which is neutral and polar, at codon 882 of the PIGG protein (p.Pro882Ser). This variant is present in population databases (rs754519011, gnomAD 0.02%). This variant has not been reported in the literature in individuals affected with PIGG-related conditions. ClinVar contains an entry for this variant (Variation ID: 542890). Advanced modeling of protein sequence and biophysical properties (such as structural, functional, and spatial information, amino acid conservation, physicochemical variation, residue mobility, and thermodynamic stability) performed at Invitae indicates that this missense variant is expected to disrupt PIGG protein function with a positive predictive value of 80%. In summary, the available evidence is currently insufficient to determine the role of this variant in disease. Therefore, it has been classified as a Variant of Uncertain Significance.

NM_001127178.3(PIGG):c.2644C>T (p.Pro882Ser)

Gene: PIGG (phosphatidylinositol glycan anchor biosynthesis class G (EMM blood group); plus strand). Cytogenetic location: 4p16.3.
Variant type: single nucleotide variant.
Coding change: c.2644C>T on transcript NM_001127178.3 (MANE Select); coding-DNA position 2644, C replaced by T.
Protein change: p.Pro882Ser; replaces proline 882 with serine.
Molecular consequence: missense variant. On other transcripts: non-coding transcript variant (10).
Genome position (GRCh38, 1-based): chr4:533,890, C>T. VCF-style: chr4-533890-C-T. GRCh37 (hg19) VCF-style: chr4-527679-C-T.
Other names: c.2377C>T, p.Pro793Ser (NM_001289051.2, NM_001345986.2); c.2245C>T, p.Pro749Ser (NM_001289052.2); c.2353C>T, p.Pro785Ser (NM_001345987.2); c.1615C>T, p.Pro539Ser (NM_001345988.2); c.1111C>T, p.Pro371Ser (NM_001345990.2, NM_001345991.2); c.1546C>T, p.Pro516Ser (NM_001345994.2); c.2620C>T, p.Pro874Ser (NM_017733.5); short protein forms P882S, P785S, P371S, P874S, P516S, P539S, P749S, P793S.
Identifiers: ClinVar variation 542890 (VCV000542890.9), dbSNP rs754519011, ClinGen allele CA2793704.